The following is an entry in ClinVar:

NM_183050.4(BCKDHB):c.1149T>A (p.Tyr383Ter)

Gene: BCKDHB (branched chain keto acid dehydrogenase E1 subunit beta; plus strand). Cytogenetic location: 6q14.1.
Variant type: single nucleotide variant.
Coding change: c.1149T>A on transcript NM_183050.4 (MANE Select); coding-DNA position 1149, T replaced by A.
Protein change: p.Tyr383Ter; replaces tyrosine 383 with a stop codon.
Molecular consequence: nonsense. On other transcripts: non-coding transcript variant (1).
Genome position (GRCh38, 1-based): chr6:80,343,774, T>A. VCF-style: chr6-80343774-T-A. GRCh37 (hg19) VCF-style: chr6-81053491-T-A.
Other names: c.1149T>A, p.Tyr383Ter (NM_000056.5); c.939T>A, p.Tyr313Ter (NM_001318975.1); short protein forms Y383*, Y313*.
Identifiers: ClinVar variation 553268 (VCV000553268.12), dbSNP rs190867671, ClinGen allele CA365021597.

ClinVar aggregate classification (germline): Pathogenic. Review status: criteria provided, multiple submitters, no conflicts (2 of 4 stars). 4 submissions from 4 submitters: Pathogenic (3). 1 of the submissions does not count toward it. Last evaluated 2021-11-07.

Conditions:
Maple syrup urine disease type 1A (MSUD1A). Also called: MSUD type 1A. Identifiers: MedGen C1855369, MONDO:0023691, OMIM 248600.
Maple syrup urine disease (MSUD). Identifiers: Orphanet 511, MedGen C0024776, MeSH D008375, MONDO:0009563. Disease mechanism: loss of function.

Submissions (4):

Genome-Nilou Lab
Classification: Pathogenic for Maple syrup urine disease type 1A. Last evaluated: 2021-11-07. Review status: criteria provided, single submitter. Criteria: ACMG Guidelines, 2015. Collection method: clinical testing. Allele origin: germline. Affected: no.

Labcorp Genetics (formerly Invitae), Labcorp
Classification: Pathogenic for Maple syrup urine disease. Last evaluated: 2020-11-17. Review status: criteria provided, single submitter. Criteria: Invitae Variant Classification Sherloc (09022015). Collection method: clinical testing. Allele origin: germline.
Comment: For these reasons, this variant has been classified as Pathogenic. This variant disrupts the C-terminus of the BCKDHB protein. Other variant(s) that disrupt this region (p.Arg387*) have been determined to be pathogenic (PMID: 30228974, Invitae). This suggests that variants that disrupt this region of the protein are likely to be causative of disease. This variant has been observed in individual(s) with maple syrup urine disease (PMID: 11112664, 14517957). ClinVar contains an entry for this variant (Variation ID: 553268). This variant is not present in population databases (ExAC no frequency). This sequence change creates a premature translational stop signal (p.Tyr383*) in the BCKDHB gene. While this is not anticipated to result in nonsense mediated decay, it is expected to disrupt the last 10 amino acid(s) of the BCKDHB protein.

Women's Health and Genetics/Laboratory Corporation of America, LabCorp
Classification: Pathogenic for Maple syrup urine disease. Last evaluated: 2020-01-27. Review status: criteria provided, single submitter. Criteria: LabCorp Variant Classification Summary - May 2015. Collection method: clinical testing. Allele origin: germline.
Comment: Variant summary: BCKDHB c.1149T>A (p.Tyr383X) results in a premature termination codon, predicted to cause a truncation of the encoded protein or absence of the protein due to nonsense mediated decay, which are commonly known mechanisms for disease. The variant was absent in 251330 control chromosomes. c.1149T>A has been reported in the literature as a homozygous variant in at-least one individual of Turkish ethnicity affected with classic Maple syrup urine disease (Nellis_2001) and has been subsequently cited by others (example, Henneke_2003). These data indicate that the variant may be associated with disease. At least one publication reports experimental evidence evaluating an impact on protein function. The most pronounced variant effect results in <10% of normal activity in patient fibroblasts (Henneke_2003). One clinical diagnostic laboratory has submitted clinical-significance assessments for this variant to ClinVar after 2014 without evidence for independent evaluation and classified the variant as likely pathogenic citing overlapping evidence utilized in the context of this evaluation. Based on the evidence outlined above, the variant was classified as pathogenic.

Counsyl
Classification: Likely pathogenic for Maple syrup urine disease type 1A. Last evaluated: 2017-08-10. Review status: no assertion criteria provided. Collection method: clinical testing. Allele origin: unknown. Not counted in ClinVar's aggregate classification.

Literature cited by the submitters: PubMed 30228974 (cited by Labcorp Genetics (formerly Invitae), Labcorp); PubMed 11112664 (cited by 3 submitters); PubMed 14517957 (cited by Labcorp Genetics (formerly Invitae), Labcorp and Women's Health and Genetics/Laboratory Corporation of America, LabCorp); PubMed 19480318 (cited by Counsyl).